The following is an entry in ClinVar:

ClinVar aggregate classification (germline): Uncertain significance (1 of 4 stars; one submission).

Allele frequency attached by ClinVar (database versions not stated): gnomAD exomes below 0.00001.
gnomAD v4.1: 1 of 1,613,932 alleles (0.000062%); highest among the groups gnomAD compares: Non-Finnish European, 0.000085%; no homozygotes.

Submission:

Labcorp Genetics (formerly Invitae), Labcorp
Classification: Uncertain significance. Last evaluated: 2024-11-08. Review status: criteria provided, single submitter. Criteria: Invitae Variant Classification Sherloc (09022015). Collection method: clinical testing. Allele origin: germline.
Comment: This sequence change replaces alanine, which is neutral and non-polar, with valine, which is neutral and non-polar, at codon 176 of the MYH14 protein (p.Ala176Val). This variant is not present in population databases (gnomAD no frequency). This variant has not been reported in the literature in individuals affected with MYH14-related conditions. ClinVar contains an entry for this variant (Variation ID: 1387722). Invitae Evidence Modeling of protein sequence and biophysical properties (such as structural, functional, and spatial information, amino acid conservation, physicochemical variation, residue mobility, and thermodynamic stability) indicates that this missense variant is expected to disrupt MYH14 protein function with a positive predictive value of 80%. Algorithms developed to predict the effect of sequence changes on RNA splicing suggest that this variant may create or strengthen a splice site. In summary, the available evidence is currently insufficient to determine the role of this variant in disease. Therefore, it has been classified as a Variant of Uncertain Significance.

NM_001145809.2(MYH14):c.527C>T (p.Ala176Val)

Gene: MYH14 (myosin heavy chain 14; plus strand). Cytogenetic location: 19q13.33.
Variant type: single nucleotide variant.
Coding change: c.527C>T on transcript NM_001145809.2 (MANE Select); coding-DNA position 527, C replaced by T.
Protein change: p.Ala176Val; replaces alanine 176 with valine.
Molecular consequence: missense variant.
Genome position (GRCh38, 1-based): chr19:50,217,736, C>T. VCF-style: chr19-50217736-C-T. GRCh37 (hg19) VCF-style: chr19-50720993-C-T.
Other names: c.527C>T, p.Ala176Val (NM_001077186.2, NM_024729.4); short protein forms A176V.
Identifiers: ClinVar variation 1387722 (VCV001387722.6), dbSNP rs2032563527, ClinGen allele CA406948050.